The following is an entry in ClinVar:

NM_000051.4(ATM):c.4453_4456del (p.Asp1485fs)

Gene: ATM (ATM serine/threonine kinase; plus strand). Cytogenetic location: 11q22.3.
Variant type: Deletion.
Coding change: c.4453_4456del on transcript NM_000051.4 (MANE Select); coding-DNA positions 4453 to 4456, 4 bases deleted (GATG; older notation c.4453_4456delGATG).
Protein change: p.Asp1485fs; shifts the reading frame from aspartic acid 1485.
Molecular consequence: frameshift variant.
Genome position (GRCh38, 1-based): chr11:108,292,635-108,292,638, GATG deleted; deleting any 4 consecutive bases within chr11:108,292,632-108,292,638 gives the same sequence; the c. name uses the placement nearest the transcript's 3' end. VCF-style (leftmost placement, unchanged base first): chr11-108292631-CATGG-C. GRCh37 (hg19) VCF-style: chr11-108163358-CATGG-C.
Other names: c.4453_4456del, p.Asp1485fs (NM_001351834.2); short protein forms D1485fs.
Identifiers: ClinVar variation 1740718 (VCV001740718.2), dbSNP rs2546924001, ClinGen allele CA2580083250.

ClinVar aggregate classification (germline): Pathogenic (1 of 4 stars; one submission).

Conditions:
Hereditary cancer-predisposing syndrome. Also called: Hereditary Cancer Syndrome; Hereditary neoplastic syndrome; Neoplastic Syndromes, Hereditary; Tumor predisposition. Identifiers: Orphanet 140162, MedGen C0027672, MeSH D009386, MONDO:0015356.

Submission:

Ambry Genetics
Classification: Pathogenic for Hereditary cancer-predisposing syndrome. Last evaluated: 2022-04-05. Review status: criteria provided, single submitter. Criteria: Ambry Variant Classification Scheme 2023. Collection method: clinical testing. Allele origin: germline.
Comment: The c.4453_4456delGATG pathogenic mutation, located in coding exon 29 of the ATM gene, results from a deletion of 4 nucleotides at nucleotide positions 4453 to 4456, causing a translational frameshift with a predicted alternate stop codon (p.D1485Cfs*13). This variant is considered to be rare based on population cohorts in the Genome Aggregation Database (gnomAD). This alteration is expected to result in loss of function by premature protein truncation or nonsense-mediated mRNA decay. As such, this alteration is interpreted as a disease-causing mutation.